The following is an entry in ClinVar:

NM_004525.3(LRP2):c.2599A>G (p.Thr867Ala)

Gene: LRP2 (LDL receptor related protein 2; minus strand). Cytogenetic location: 2q31.1.
Variant type: single nucleotide variant.
Coding change: c.2599A>G on transcript NM_004525.3 (MANE Select); coding-DNA position 2599, A replaced by G.
Protein change: p.Thr867Ala; replaces threonine 867 with alanine.
Molecular consequence: missense variant.
Genome position (GRCh38, 1-based): chr2:169,257,164, T>C on the plus strand (A>G on the coding strand, the complement: LRP2 is on the minus strand). VCF-style: chr2-169257164-T-C. GRCh37 (hg19) VCF-style: chr2-170113674-T-C.
Other names: short protein forms T867A.
Identifiers: ClinVar variation 332188 (VCV000332188.20), dbSNP rs143822500, ClinGen allele CA1955258.

ClinVar aggregate classification (germline): Conflicting classifications of pathogenicity. Review status: criteria provided, conflicting classifications (1 of 4 stars). 8 submissions from 8 submitters: Uncertain significance (5); Likely benign (2). 1 of the submissions does not count toward it. Last evaluated 2026-01-13.

Conditions:
LRP2-related disorder. Also called: LRP2-related condition.
Donnai-Barrow syndrome. Also called: DBS/FOAR SYNDROME; FACIOOCULOACOUSTICORENAL SYNDROME. Identifiers: Orphanet 2143, MedGen C1857277, MONDO:0009104, OMIM 222448.

Allele frequency attached by ClinVar (database versions not stated): gnomAD 0.00001 and 0.00005; TOPMed 0.00003; gnomAD exomes 0.00010 and 0.00011; 1000 Genomes Project 30x 0.00047; 1000 Genomes Project 0.00060.
gnomAD v4.1: 169 of 1,612,958 alleles (0.01%); highest among the groups gnomAD compares: East Asian, 0.37%; no homozygotes.

Submissions (8):

Labcorp Genetics (formerly Invitae), Labcorp
Classification: Likely benign. Last evaluated: 2026-01-13. Review status: criteria provided, single submitter. Criteria: Invitae Variant Classification Sherloc (09022015). Collection method: clinical testing. Allele origin: germline.

GeneDx
Classification: Uncertain significance. Last evaluated: 2025-01-25. Review status: criteria provided, single submitter. Criteria: GeneDx Variant Classification Process June 2021. Collection method: clinical testing. Allele origin: germline. Affected: yes.
Comment: In silico analysis indicates that this missense variant does not alter protein structure/function; Has not been previously published as pathogenic or benign to our knowledge

Blueprint Genetics
Classification: Likely benign. Last evaluated: 2023-09-25. Review status: criteria provided, single submitter. Criteria: ACMG Guidelines, 2015. Collection method: clinical testing. Allele origin: germline.

Fulgent Genetics
Classification: Uncertain significance for Donnai-Barrow syndrome. Last evaluated: 2022-03-16. Review status: criteria provided, single submitter. Criteria: ACMG Guidelines, 2015. Collection method: clinical testing. Allele origin: unknown.

Genome-Nilou Lab
Classification: Uncertain significance for Donnai-Barrow syndrome. Last evaluated: 2021-07-15. Review status: criteria provided, single submitter. Criteria: ACMG Guidelines, 2015. Collection method: clinical testing. Allele origin: germline. Affected: no.

Eurofins Ntd Llc (ga)
Classification: Uncertain significance. Last evaluated: 2018-08-22. Review status: criteria provided, single submitter. Criteria: EGL ClinVar v180209 classification definitions. Collection method: clinical testing. Allele origin: germline. Observed: 1 variant allele, 1 heterozygote.

Illumina Laboratory Services, Illumina
Classification: Uncertain significance for Donnai-Barrow syndrome. Last evaluated: 2018-01-13. Review status: criteria provided, single submitter. Criteria: ICSL Variant Classification Criteria 13 December 2019. Collection method: clinical testing. Allele origin: germline.

PreventionGenetics, part of Exact Sciences
Classification: Uncertain significance for LRP2-related condition. Last evaluated: 2023-12-11. Review status: no assertion criteria provided. Collection method: clinical testing. Allele origin: germline. Not counted in ClinVar's aggregate classification.
Comment: The LRP2 c.2599A>G variant is predicted to result in the amino acid substitution p.Thr867Ala. To our knowledge, this variant has not been reported in the literature. This variant is reported in 0.13% of alleles in individuals of East Asian descent in gnomAD. Although we suspect that this variant may be benign, at this time, the clinical significance of this variant is uncertain due to the absence of conclusive functional and genetic evidence.